The following is an entry in ClinVar:

NM_001346754.2(PIGW):c.617_620del (p.Val206fs)

Genes: MYO19 (myosin XIX; minus strand), PIGW (phosphatidylinositol glycan anchor biosynthesis class W; plus strand). Cytogenetic location: 17q12.
Variant type: Deletion.
Coding change: c.617_620del on transcript NM_001346754.2 (MANE Select); coding-DNA positions 617 to 620, 4 bases deleted (TTTG; older notation c.617_620delTTTG).
Protein change: p.Val206fs; shifts the reading frame from valine 206.
Molecular consequence: frameshift variant.
Genome position (GRCh38, 1-based): chr17:36,537,718-36,537,721, TTTG deleted; deleting any 4 consecutive bases within chr17:36,537,716-36,537,721 gives the same sequence; the c. name uses the placement nearest the transcript's 3' end. VCF-style (leftmost placement, unchanged base first): chr17-36537715-CTGTT-C. GRCh37 (hg19) VCF-style: chr17-34893564-CTGTT-C.
Other names: c.617_620del (NM_178517.3, NM_178517.4); c.617_620delTTTG (NM_178517.4); c.617_620del, p.Val206fs (NM_001346755.2, NM_178517.5); short protein forms V206fs.
Identifiers: ClinVar variation 377301 (VCV000377301.60), dbSNP rs753385776, ClinGen allele CA16603329.

ClinVar aggregate classification (germline): Conflicting classifications of pathogenicity. Review status: criteria provided, conflicting classifications (1 of 4 stars). 11 submissions from 11 submitters: Pathogenic (1); Likely pathogenic (5); Uncertain significance (5). Last evaluated 2026-08-06.

Conditions:
Abnormal skeletal morphology. Also called: Abnormality of skeletal morphology. Identifiers: MedGen C4023165, HP:0011842.
Cleft palate. Identifiers: Orphanet 2014, MedGen C2981150, MONDO:0016064, HP:0000175.
Global developmental delay (DD). Also called: Cognitive delay. Identifiers: MedGen C0557874, HP:0001263. Disease mechanism: loss of function.
Hyperphosphatasia with intellectual disability syndrome 5 (GPIBD11). Also called: GLYCOSYLPHOSPHATIDYLINOSITOL BIOSYNTHESIS DEFECT 11. Identifiers: Orphanet 247262, MedGen C4014958, MONDO:0014457, OMIM 616025.
Inborn genetic diseases. Identifiers: MedGen C0950123, MeSH D030342.

Submissions (11):

OLLIN Analises Genomicas, OLLIN
Classification: Uncertain significance for Hyperphosphatasia with intellectual disability syndrome 5. Last evaluated: 2026-08-06. Review status: criteria provided, single submitter. Criteria: ACMG Guidelines 2015 PMID 25741868. Collection method: clinical testing. Allele origin: germline.
Comment: This frameshift variant, located in exon 2 (of 2), has been reported in ClinVar (accession VCV000377301.58) and in gnomAD with an allele frequency of 0.019%. However, to our knowledge, it has not been reported in the scientific literature. This variant causes a frameshift and introduces a premature stop codon, which is predicted to result in either a truncated protein or degradation of the mRNA via nonsense-mediated decay (NMD). According to the currently available evidence, this variant has been classified as uncertain significance (PM2_P).

3billion
Classification: Likely pathogenic for Hyperphosphatasia with intellectual disability syndrome 5. Last evaluated: 2025-06-11. Review status: criteria provided, single submitter. Criteria: ACMG Guidelines, 2015. Collection method: clinical testing. Allele origin: germline. Affected: yes.
Comment: The variant is observed at an extremely low frequency in the gnomAD v4.1.0 dataset (total allele frequency: 0.019%). Predicted Consequence/Location: Frameshift: predicted to result in a loss or disruption of normal protein function through protein truncation. The predicted truncated protein may be shortened by more than 10%. The variant has been reported at least twice as pathogenic without evidence for the classification (ClinVar ID: VCV000377301). Therefore, this variant is classified as Likely pathogenic according to the recommendation of ACMG/AMP guideline.

GeneDx
Classification: Uncertain significance. Last evaluated: 2025-02-18. Review status: criteria provided, single submitter. Criteria: GeneDx Variant Classification Process June 2021. Collection method: clinical testing. Allele origin: germline. Affected: yes.
Comment: Frameshift variant predicted to result in abnormal protein length as the last 229 amino acids are replaced with 2 different amino acids; Has not been previously published as pathogenic or benign to our knowledge

Genomic Medicine Center of Excellence, King Faisal Specialist Hospital and Research Centre
Classification: Likely pathogenic for Hyperphosphatasia with intellectual disability syndrome 5. Last evaluated: 2024-03-29. Review status: criteria provided, single submitter. Criteria: ACMG Guidelines, 2015. Collection method: clinical testing. Allele origin: germline.

Women's Health and Genetics/Laboratory Corporation of America, LabCorp
Classification: Uncertain significance. Last evaluated: 2023-05-03. Review status: criteria provided, single submitter. Criteria: LabCorp Variant Classification Summary - May 2015. Collection method: clinical testing. Allele origin: germline.
Comment: Variant summary: PIGW c.617_620delTTTG (p.Val206GlyfsX3) results in a premature termination codon, predicted to cause a truncation of the encoded protein or absence of the protein due to nonsense mediated decay. The variant allele was found at a frequency of 0.00025 in 251406 control chromosomes.To our knowledge, no occurrence of c.617_620delTTTG in individuals affected with Hyperphosphatasia With Mental Retardation Syndrome 5 and no experimental evidence demonstrating its impact on protein function have been reported. Six clinical diagnostic laboratories have submitted clinical-significance assessments for this variant to ClinVar after 2014 and classified as VUS (n=2), Likely Pathogenic (n=3) and Pathogenic (n=1). Based on the evidence outlined above and the fact that there is not enough evidence to establish loss-of-function as a mechanism of disease for this gene, the variant was classified as uncertain significance.

Labcorp Genetics (formerly Invitae), Labcorp
Classification: Uncertain significance for Hyperphosphatasia with intellectual disability syndrome 5. Last evaluated: 2022-10-05. Review status: criteria provided, single submitter. Criteria: Invitae Variant Classification Sherloc (09022015). Collection method: clinical testing. Allele origin: germline.
Comment: This sequence change creates a premature translational stop signal (p.Val206Glyfs*3) in the PIGW gene. While this is not anticipated to result in nonsense mediated decay, it is expected to disrupt the last 299 amino acid(s) of the PIGW protein. This variant is present in population databases (rs753385776, gnomAD 0.09%). This variant has not been reported in the literature in individuals affected with PIGW-related conditions. ClinVar contains an entry for this variant (Variation ID: 377301). Experimental studies and prediction algorithms are not available or were not evaluated, and the functional significance of this variant is currently unknown. In summary, the available evidence is currently insufficient to determine the role of this variant in disease. Therefore, it has been classified as a Variant of Uncertain Significance.

Ambry Genetics
Classification: Pathogenic for Inborn genetic diseases. Last evaluated: 2022-08-22. Review status: criteria provided, single submitter. Criteria: Ambry Variant Classification Scheme 2023. Collection method: clinical testing. Allele origin: germline.
Comment: The c.617_620delTTTG (p.V206Gfs*3) alteration, located in exon 2 (coding exon 1) of the PIGW gene, consists of a deletion of 4 nucleotides from position 617 to 620, causing a translational frameshift with a predicted alternate stop codon after 3 amino acids. This alteration occurs at the 3' terminus of the PIGW gene, is not expected to trigger nonsense-mediated mRNA decay, and impacts the last 299 amino acids of the protein. Premature stop codons are typically deleterious in nature and a significant portion of the protein is affected (Ambry internal data). Based on data from gnomAD, the c.617_620delTTTG allele has an overall frequency of 0.02% (69/282804) total alleles studied. The highest observed frequency was 0.08% (29/35438) of Latino alleles. Based on the available evidence, this alteration is classified as pathogenic.

CeGaT Center for Human Genetics Tuebingen
Classification: Likely pathogenic. Last evaluated: 2020-11-01. Review status: criteria provided, single submitter. Criteria: CeGaT Center For Human Genetics Tuebingen Variant Classification Criteria Version 2. Collection method: clinical testing. Allele origin: germline. Affected: yes. Observed: 1 variant allele.

Genomic Research Center, Shahid Beheshti University of Medical Sciences
Classification: Uncertain significance for Hyperphosphatasia with intellectual disability syndrome 5. Last evaluated: 2020-05-03. Review status: criteria provided, single submitter. Criteria: ACMG Guidelines, 2015. Collection method: clinical testing. Allele origin: unknown. Affected: yes.

Knight Diagnostic Laboratories, Oregon Health and Sciences University
Classification: Likely pathogenic for Cleft palate; Global developmental delay; Abnormal skeletal morphology. Last evaluated: 2018-12-03. Review status: criteria provided, single submitter. Criteria: ACMG Guidelines, 2015. Collection method: clinical testing. Allele origin: germline. Observed: 1 variant allele.

Center for Pediatric Genomic Medicine, Children's Mercy Hospital and Clinics
Classification: Likely pathogenic. Last evaluated: 2016-12-02. Review status: criteria provided, single submitter. Criteria: ACMG Guidelines, 2015. Collection method: clinical testing. Allele origin: germline.